The following is an entry in ClinVar:

NM_024649.5(BBS1):c.733C>G (p.Pro245Ala)

Genes: BBS1 (Bardet-Biedl syndrome 1; plus strand), ZDHHC24 (zDHHC palmitoyltransferase 24; minus strand). Cytogenetic location: 11q13.2.
Variant type: single nucleotide variant.
Coding change: c.733C>G on transcript NM_024649.5 (MANE Select); coding-DNA position 733, C replaced by G.
Protein change: p.Pro245Ala; replaces proline 245 with alanine.
Molecular consequence: missense variant. On other transcripts: 3 prime UTR variant (1).
Genome position (GRCh38, 1-based): chr11:66,521,279, C>G. VCF-style: chr11-66521279-C-G. GRCh37 (hg19) VCF-style: chr11-66288750-C-G.
Other names: c.*209G>C (NM_001348571.2); short protein forms P245A.
Identifiers: ClinVar variation 3347539 (VCV003347539.1).

ClinVar aggregate classification (germline): Uncertain significance (0 of 4 stars; one submission).

Conditions:
BBS1-related disorder. Also called: BBS1-related condition.

Submission:

PreventionGenetics, part of Exact Sciences
Classification: Uncertain significance for BBS1-related condition. Last evaluated: 2024-05-01. Review status: no assertion criteria provided. Collection method: clinical testing. Allele origin: germline.
Comment: The BBS1 c.733C>G variant is predicted to result in the amino acid substitution p.Pro245Ala. To our knowledge, this variant has not been reported in the literature or in a large population database, indicating this variant is rare. At this time, the clinical significance of this variant is uncertain due to the absence of conclusive functional and genetic evidence.